The following is an entry in ClinVar:

NM_021815.5(SLC5A7):c.1630C>T (p.Leu544Phe)

Gene: SLC5A7 (solute carrier family 5 member 7; plus strand). Cytogenetic location: 2q12.3.
Variant type: single nucleotide variant.
Coding change: c.1630C>T on transcript NM_021815.5 (MANE Select); coding-DNA position 1630, C replaced by T.
Protein change: p.Leu544Phe; replaces leucine 544 with phenylalanine.
Molecular consequence: missense variant.
Genome position (GRCh38, 1-based): chr2:108,010,748, C>T. VCF-style: chr2-108010748-C-T. GRCh37 (hg19) VCF-style: chr2-108627204-C-T.
Other names: p.Leu544Phe; c.1630C>T, p.Leu544Phe (NM_001305005.3); c.1315C>T, p.Leu439Phe (NM_001305006.3); c.889C>T, p.Leu297Phe (NM_001305007.3); short protein forms L544F, L297F, L439F.
Identifiers: ClinVar variation 571973 (VCV000571973.9), dbSNP rs780371731, ClinGen allele CA1819206.

ClinVar aggregate classification (germline): Uncertain significance. Review status: criteria provided, multiple submitters, no conflicts (2 of 4 stars). 4 submissions from 4 submitters: Uncertain significance (4). Last evaluated 2026-01-18.

Conditions:
Congenital myasthenic syndrome 20. Also called: Myasthenic syndrome, congenital, 20, presynaptic. Identifiers: MedGen C4310694, MONDO:0014939, OMIM 617143.
Neuronopathy, distal hereditary motor, type 7A. Also called: Neuronopathy, distal hereditary motor, type viia; SPINAL MUSCULAR ATROPHY, DISTAL, WITH VOCAL CORD PARALYSIS; NEURONOPATHY, DISTAL HEREDITARY MOTOR, HARDING TYPE VIIA; NEUROPATHY, DISTAL HEREDITARY MOTOR, HARDING TYPE VIIA; Neuronopathy, distal hereditary motor, autosomal dominant 7; HARPER-YOUNG MYOPATHY. Identifiers: Orphanet 139589, MedGen C1834703, MONDO:0008024, OMIM 158580.
Inborn genetic diseases. Identifiers: MedGen C0950123, MeSH D030342.

Allele frequency attached by ClinVar (database versions not stated): ExAC 0.00002; TOPMed 0.00001; gnomAD exomes 0.00002 and 0.00001.
gnomAD v4.1: 15 of 1,613,714 alleles (0.00093%); highest among the groups gnomAD compares: Non-Finnish European, 0.0011%; no homozygotes.

Submissions (4):

Labcorp Genetics (formerly Invitae), Labcorp
Classification: Uncertain significance for Neuronopathy, distal hereditary motor, type 7A; Congenital myasthenic syndrome 20. Last evaluated: 2026-01-18. Review status: criteria provided, single submitter. Criteria: Invitae Variant Classification Sherloc (09022015). Collection method: clinical testing. Allele origin: germline.
Comment: This sequence change replaces leucine, which is neutral and non-polar, with phenylalanine, which is neutral and non-polar, at codon 544 of the SLC5A7 protein (p.Leu544Phe). This variant is present in population databases (rs780371731, gnomAD 0.01%). This variant has not been reported in the literature in individuals affected with SLC5A7-related conditions. ClinVar contains an entry for this variant (Variation ID: 571973). An algorithm developed to predict the effect of missense changes on protein structure and function (PolyPhen-2) suggests that this variant is likely to be tolerated. In summary, the available evidence is currently insufficient to determine the role of this variant in disease. Therefore, it has been classified as a Variant of Uncertain Significance.

Mayo Clinic Laboratories, Mayo Clinic
Classification: Uncertain significance. Last evaluated: 2025-01-15. Review status: criteria provided, single submitter. Criteria: ACMG Guidelines, 2015. Collection method: clinical testing. Allele origin: germline. Observed: 1 variant allele.

Ambry Genetics
Classification: Uncertain significance for Inborn genetic diseases. Last evaluated: 2024-11-14. Review status: criteria provided, single submitter. Criteria: Ambry Variant Classification Scheme 2023. Collection method: clinical testing. Allele origin: germline.

Pittsburgh Clinical Genomics Laboratory, University of Pittsburgh Medical Center
Classification: Uncertain significance for Neuronopathy, distal hereditary motor, type 7A. Last evaluated: 2024-01-17. Review status: criteria provided, single submitter. Criteria: ACMG Guidelines, 2015. Collection method: clinical testing. Allele origin: germline. Inheritance: Autosomal unknown. Affected: yes.
Comment: This sequence variant is a single nucleotide substitution (C>T) at position 1630 of the coding sequence of the SLC5A7 gene that results in a leucine to phenylalanine amino acid change at residue 544 of the solute carrier family 5 member 7 protein. The 544 residue falls in a cystoplasmic domain of the protein (PMID: 33250374). This is a previously reported variant (ClinVar 571973) that has not been observed in individuals affected by a SLC5A7-related disorder in the published literature, to our knowledge. This variant is present in 15 of 1461442 alleles (0.0010%) in the gnomAD v4.0.0 population dataset. Multiple bioinformatic tools predict that this leucine to phenylalanine amino acid change would be neutral, and the Leu544 residue at this position is moderately conserved across the vertebrate species examined. Studies examining the functional consequence of this variant have not been published, to our knowledge. At this time, there is insufficient evidence to determine if this variant is pathogenic or benign. Therefore, we consider this a variant of uncertain significance. ACMG Criteria: BP4, PM2

Literature cited by the submitters: PubMed 33250374 (cited by Pittsburgh Clinical Genomics Laboratory, University of Pittsburgh Medical Center).